The following is an entry in ClinVar:

NM_002180.3(IGHMBP2):c.1418+4_1418+5del

Gene: IGHMBP2 (immunoglobulin mu DNA binding protein 2; plus strand). Cytogenetic location: 11q13.3.
Variant type: Deletion.
Coding change: c.1418+4_1418+5del on transcript NM_002180.3 (MANE Select); bases 4 to 5 of the intron after coding-DNA position 1418, 2 bases deleted (AG; older notation c.1418+4_1418+5delAG).
Molecular consequence: intron variant.
Genome position (GRCh38, 1-based): chr11:68,933,485-68,933,486, AG deleted; deleting any 2 consecutive bases within chr11:68,933,484-68,933,486 gives the same sequence; the c. name uses the placement nearest the transcript's 3' end. VCF-style (leftmost placement, unchanged base first): chr11-68933483-TGA-T. GRCh37 (hg19) VCF-style: chr11-68700951-TGA-T.
Identifiers: ClinVar variation 2030959 (VCV002030959.4), dbSNP rs2496054435, ClinGen allele CA2580084778.

ClinVar aggregate classification (germline): Uncertain significance (1 of 4 stars; one submission).

Conditions:
Autosomal recessive distal spinal muscular atrophy 1. Also called: HMN VI; NEURONOPATHY, SEVERE INFANTILE AXONAL, WITH RESPIRATORY FAILURE; SEVERE INFANTILE AXONAL NEUROPATHY WITH RESPIRATORY FAILURE; SPINAL MUSCULAR ATROPHY, DIAPHRAGMATIC; Spinal muscular atrophy with respiratory distress 1; NEURONOPATHY, DISTAL HEREDITARY MOTOR, HARDING TYPE VI. Identifiers: Orphanet 98920, MedGen C1858517, MONDO:0011436, OMIM 604320.
Charcot-Marie-Tooth disease axonal type 2S. Also called: CHARCOT-MARIE-TOOTH NEUROPATHY, TYPE 2S; CHARCOT-MARIE-TOOTH DISEASE, AXONAL, AUTOSOMAL RECESSIVE, TYPE 2S. Identifiers: Orphanet 443073, MedGen C4015349, MONDO:0014511, OMIM 616155.

Submission:

Labcorp Genetics (formerly Invitae), Labcorp
Classification: Uncertain significance for Autosomal recessive distal spinal muscular atrophy 1; Charcot-Marie-Tooth disease axonal type 2S. Last evaluated: 2022-09-17. Review status: criteria provided, single submitter. Criteria: Invitae Variant Classification Sherloc (09022015). Collection method: clinical testing. Allele origin: germline.
Comment: This variant has not been reported in the literature in individuals affected with IGHMBP2-related conditions. This sequence change falls in intron 9 of the IGHMBP2 gene. It does not directly change the encoded amino acid sequence of the IGHMBP2 protein. It affects a nucleotide within the consensus splice site. This variant is not present in population databases (gnomAD no frequency). Variants that disrupt the consensus splice site are a relatively common cause of aberrant splicing (PMID: 17576681, 9536098). Algorithms developed to predict the effect of sequence changes on RNA splicing suggest that this variant may disrupt the consensus splice site. In summary, the available evidence is currently insufficient to determine the role of this variant in disease. Therefore, it has been classified as a Variant of Uncertain Significance.

Literature cited by the submitters: PubMed 17576681; PubMed 9536098.